The following is an entry in ClinVar:

NM_001174089.2(SLC4A11):c.286C>T (p.Arg96Ter)

Gene: SLC4A11 (solute carrier family 4 member 11; minus strand). Cytogenetic location: 20p13.
Variant type: single nucleotide variant.
Coding change: c.286C>T on transcript NM_001174089.2 (MANE Select); coding-DNA position 286, C replaced by T.
Protein change: p.Arg96Ter; replaces arginine 96 with a stop codon.
Molecular consequence: nonsense. On other transcripts: non-coding transcript variant (1).
Genome position (GRCh38, 1-based): chr20:3,234,573, G>A on the plus strand (C>T on the coding strand, the complement: SLC4A11 is on the minus strand). VCF-style: chr20-3234573-G-A. GRCh37 (hg19) VCF-style: chr20-3215219-G-A.
Other names: c.415C>T, p.Arg139Ter (NM_001174090.2); c.286C>T, p.Arg96Ter (NM_001363745.2); c.334C>T, p.Arg112Ter (NM_032034.4); c.334C>T (NM_032034.3); short protein forms R112*, R139*, R96*.
Identifiers: ClinVar variation 1069511 (VCV001069511.11), dbSNP rs780346984, ClinGen allele CA9742364.

ClinVar aggregate classification (germline): Pathogenic. Review status: criteria provided, multiple submitters, no conflicts (2 of 4 stars). 2 submissions from 2 submitters: Pathogenic (2). Last evaluated 2024-12-16.

Conditions:
Corneal dystrophy-perceptive deafness syndrome (CDPD). Also called: CORNEAL DYSTROPHY AND SENSORINEURAL DEAFNESS; HARBOYAN SYNDROME. Identifiers: Orphanet 1490, MedGen C1857572, MONDO:0009015, OMIM 217400.

Submissions (2):

Natera, Inc.
Classification: Pathogenic for Corneal dystrophy-perceptive deafness syndrome. Last evaluated: 2024-12-16. Review status: criteria provided, single submitter. Criteria: Natera Variant Classification Schema (03/2026). Collection method: clinical testing. Allele origin: germline.
Comment: The c.334C>T variant in SLC4A11 is a nonsense variant predicted to introduce a stop codon at amino acid 112. This variant is expected to result in nonsense mediated decay, truncation, or a dysfunctional protein product. This variant is rare in the general population with a frequency below the threshold expected for the associated phenotype(s). This variant has been observed in one or more individuals affected with the associated recessive disease, as either homozygous or compound heterozygous with a second variant (PMID: 31714402, 17679935). Given the available evidence, this variant is classified as Pathogenic.

Labcorp Genetics (formerly Invitae), Labcorp
Classification: Pathogenic. Last evaluated: 2023-07-10. Review status: criteria provided, single submitter. Criteria: Invitae Variant Classification Sherloc (09022015). Collection method: clinical testing. Allele origin: germline.
Comment: For these reasons, this variant has been classified as Pathogenic. ClinVar contains an entry for this variant (Variation ID: 1069511). This premature translational stop signal has been observed in individuals with congenital hereditary endothelial dystrophy (PMID: 17679935, 31714402). This variant is present in population databases (rs780346984, gnomAD 0.0009%). This sequence change creates a premature translational stop signal (p.Arg112*) in the SLC4A11 gene. It is expected to result in an absent or disrupted protein product. Loss-of-function variants in SLC4A11 are known to be pathogenic (PMID: 17220209, 17679935).

Literature cited by the submitters: PubMed 31714402 (cited by Natera, Inc. and Labcorp Genetics (formerly Invitae), Labcorp); PubMed 17679935 (cited by Natera, Inc. and Labcorp Genetics (formerly Invitae), Labcorp); PubMed 17220209 (cited by Labcorp Genetics (formerly Invitae), Labcorp).